The following is an entry in ClinVar:

NM_001482.3(GATM):c.869G>A (p.Arg290Lys)

Gene: GATM (glycine amidinotransferase; minus strand). Cytogenetic location: 15q21.1.
Variant type: single nucleotide variant.
Coding change: c.869G>A on transcript NM_001482.3 (MANE Select); coding-DNA position 869, G replaced by A.
Protein change: p.Arg290Lys; replaces arginine 290 with lysine.
Molecular consequence: missense variant.
Genome position (GRCh38, 1-based): chr15:45,366,155, C>T on the plus strand (G>A on the coding strand, the complement: GATM is on the minus strand). VCF-style: chr15-45366155-C-T. GRCh37 (hg19) VCF-style: chr15-45658353-C-T.
Other names: c.482G>A, p.Arg161Lys (NM_001321015.2); short protein forms R161K, R290K.
Identifiers: ClinVar variation 3686863 (VCV003686863.2).

ClinVar aggregate classification (germline): Uncertain significance (1 of 4 stars; one submission).

Conditions:
Arginine:glycine amidinotransferase deficiency (CCDS3). Also called: AGAT deficiency; L-Arginine:Glycine Amidinotransferase Deficiency; Creatine deficiency syndrome due to AGAT deficiency; GATM deficiency; L-Arginine:Glycine Amidinotransferase (AGAT) Deficiency; Cerebral creatine deficiency syndrome 3. Identifiers: Orphanet 35704, MedGen C2675179, MONDO:0012996, OMIM 612718.

Submission:

Labcorp Genetics (formerly Invitae), Labcorp
Classification: Uncertain significance for Arginine:glycine amidinotransferase deficiency. Last evaluated: 2025-03-11. Review status: criteria provided, single submitter. Criteria: Invitae Variant Classification Sherloc (09022015). Collection method: clinical testing. Allele origin: germline.
Comment: This sequence change replaces arginine, which is basic and polar, with lysine, which is basic and polar, at codon 290 of the GATM protein (p.Arg290Lys). This variant is not present in population databases (gnomAD no frequency). This variant has not been reported in the literature in individuals affected with GATM-related conditions. Invitae Evidence Modeling of protein sequence and biophysical properties (such as structural, functional, and spatial information, amino acid conservation, physicochemical variation, residue mobility, and thermodynamic stability) indicates that this missense variant is not expected to disrupt GATM protein function with a negative predictive value of 95%. In summary, the available evidence is currently insufficient to determine the role of this variant in disease. Therefore, it has been classified as a Variant of Uncertain Significance.